The following is an entry in ClinVar:

NM_018063.5(HELLS):c.1499T>G (p.Ile500Ser)

Gene: HELLS (helicase, lymphoid specific; plus strand). Cytogenetic location: 10q23.33.
Variant type: single nucleotide variant.
Coding change: c.1499T>G on transcript NM_018063.5 (MANE Select); coding-DNA position 1499, T replaced by G.
Protein change: p.Ile500Ser; replaces isoleucine 500 with serine.
Molecular consequence: missense variant.
Genome position (GRCh38, 1-based): chr10:94,590,423, T>G. VCF-style: chr10-94590423-T-G. GRCh37 (hg19) VCF-style: chr10-96350180-T-G.
Other names: c.1637T>G, p.Ile546Ser (NM_001289067.2); c.1451T>G, p.Ile484Ser (NM_001289068.2); c.1403T>G, p.Ile468Ser (NM_001289069.2); c.1205T>G, p.Ile402Ser (NM_001289070.2); c.1127T>G, p.Ile376Ser (NM_001289071.2); c.1109T>G, p.Ile370Ser (NM_001289072.2); c.1085T>G, p.Ile362Ser (NM_001289073.2); c.416T>G, p.Ile139Ser (NM_001289074.2); and 1 more; short protein forms I362S, I484S, I370S, I402S, I468S, I546S, I94S, I139S.
Identifiers: ClinVar variation 2765744 (VCV002765744.3), dbSNP rs2493269500, ClinGen allele CA377665443.
Genomic context (GRCh38, chr10:94,590,423, plus strand): 5'-TAAGGACATAGCTTTATAAACTGAATTTCTTTTAATTCGTTCCCTTTTAGAAAGAAACAA[T>G]TGAGTTAAGTCCTACTGGTCGACCAAAACGACGAACTAGAAAATCAATAAATTACAGCAA-3'
Protein context (NP_060533.2, residues 490-510): NMFGSSEKET[Ile500Ser]ELSPTGRPKR

ClinVar aggregate classification (germline): Uncertain significance (1 of 4 stars; one submission).

Submission:

Labcorp Genetics (formerly Invitae), Labcorp
Classification: Uncertain significance. Last evaluated: 2023-10-05. Review status: criteria provided, single submitter. Criteria: Invitae Variant Classification Sherloc (09022015). Collection method: clinical testing. Allele origin: germline.
Comment: This sequence change replaces isoleucine, which is neutral and non-polar, with serine, which is neutral and polar, at codon 500 of the HELLS protein (p.Ile500Ser). This variant is not present in population databases (gnomAD no frequency). This variant has not been reported in the literature in individuals affected with HELLS-related conditions. An algorithm developed to predict the effect of missense changes on protein structure and function (PolyPhen-2) suggests that this variant is likely to be tolerated. In summary, the available evidence is currently insufficient to determine the role of this variant in disease. Therefore, it has been classified as a Variant of Uncertain Significance.